The following is an entry in ClinVar:

ClinVar aggregate classification (germline): Uncertain significance (1 of 4 stars; one submission).

Conditions:
Hereditary cancer-predisposing syndrome. Also called: Hereditary Cancer Syndrome; Tumor predisposition; Hereditary neoplastic syndrome; Neoplastic Syndromes, Hereditary. Identifiers: Orphanet 140162, MedGen C0027672, MeSH D009386, MONDO:0015356.

gnomAD v4.1: 1 of 1,614,154 alleles (0.000062%); highest among the groups gnomAD compares: Non-Finnish European, 0.000085%; no homozygotes.

Submission:

Ambry Genetics
Classification: Uncertain significance for Hereditary cancer-predisposing syndrome. Last evaluated: 2024-09-24. Review status: criteria provided, single submitter. Criteria: Ambry Variant Classification Scheme 2023. Collection method: clinical testing. Allele origin: germline.
Comment: The p.C559S variant (also known as c.1676G>C), located in coding exon 4 of the MSH6 gene, results from a G to C substitution at nucleotide position 1676. The cysteine at codon 559 is replaced by serine, an amino acid with dissimilar properties. This amino acid position is conserved. In addition, the in silico prediction for this alteration is inconclusive. Based on the available evidence, the clinical significance of this variant remains unclear.

NM_000179.3(MSH6):c.1676G>C (p.Cys559Ser)

Gene: MSH6 (mutS homolog 6; plus strand). Cytogenetic location: 2p16.3.
Variant type: single nucleotide variant.
Coding change: c.1676G>C on transcript NM_000179.3 (MANE Select); coding-DNA position 1676, G replaced by C.
Protein change: p.Cys559Ser; replaces cysteine 559 with serine.
Molecular consequence: missense variant. On other transcripts: non-coding transcript variant (4), intron variant (2).
Genome position (GRCh38, 1-based): chr2:47,799,659, G>C. VCF-style: chr2-47799659-G-C. GRCh37 (hg19) VCF-style: chr2-48026798-G-C.
Other names: c.1286G>C, p.Cys429Ser (NM_001281492.2); c.770G>C, p.Cys257Ser (NM_001281493.2, NM_001281494.2, NM_001406811.1 and 6 more transcripts); c.1772G>C, p.Cys591Ser (NM_001406795.1, NM_001406802.1); c.1676G>C, p.Cys559Ser (NM_001406796.1, NM_001406798.1, NM_001406800.1 and 3 more transcripts); c.1379G>C, p.Cys460Ser (NM_001406797.1, NM_001406801.1, NM_001406805.1 and 10 more transcripts); c.1151G>C, p.Cys384Ser (NM_001406799.1, NM_001406806.1, NM_001406807.1); c.1598G>C, p.Cys533Ser (NM_001406804.1); c.1682G>C, p.Cys561Ser (NM_001406813.1); and 3 more; short protein forms C384S, C533S, C257S, C591S, C460S, C503S, C561S, C429S.
Identifiers: ClinVar variation 3398929 (VCV003398929.1).